The following is an entry in ClinVar:

NM_001482.3(GATM):c.288+184_288+195del

Gene: GATM (glycine amidinotransferase; minus strand). Cytogenetic location: 15q21.1.
Variant type: Deletion.
Coding change: c.288+184_288+195del on transcript NM_001482.3 (MANE Select); bases 184 to 195 of the intron after coding-DNA position 288, 12 bases deleted (AGCTTCCTGAAG).
Molecular consequence: intron variant.
Genome position (GRCh38, 1-based): chr15:45,376,406-45,376,417, CTTCAGGAAGCT deleted on the plus strand (AGCTTCCTGAAG on the coding strand, the reverse complement: GATM is on the minus strand); deleting any 12 consecutive bases within chr15:45,376,406-45,376,427 gives the same sequence; the c. name uses the placement nearest the transcript's 3' end. VCF-style (leftmost placement, unchanged base first): chr15-45376405-GCTTCAGGAAGCT-G. GRCh37 (hg19) VCF-style: chr15-45668603-GCTTCAGGAAGCT-G.
Other names: c.-100+184_-100+195del (NM_001321015.2).
Identifiers: ClinVar variation 680743 (VCV000680743.2), dbSNP rs6145546, ClinGen allele CA270173029.
Genomic context (GRCh38, chr15:45,376,405, plus strand): 5'-TCTGAGGACAGTGAAAGAACTATTATTCCCAGAAAAGCTCTCTCAGAATCCAAGGGAAGA[GCTTCAGGAAGCT>G]CTTCAGGAAGGAAGCAATTATCATTGGTGTAAATAGTGTCAAATACCACAGAGGTGTCAA-3'

ClinVar aggregate classification (germline): Benign. Review status: reviewed by expert panel (3 of 4 stars). 2 submissions from 2 submitters: Benign (1). 1 of the submissions does not count toward it. Last evaluated 2022-06-06.

Conditions:
Arginine:glycine amidinotransferase deficiency (CCDS3). Also called: L-Arginine:Glycine Amidinotransferase Deficiency; L-Arginine:Glycine Amidinotransferase (AGAT) Deficiency; AGAT deficiency; Creatine deficiency syndrome due to AGAT deficiency; GATM deficiency; Cerebral creatine deficiency syndrome 3. Identifiers: Orphanet 35704, MedGen C2675179, MONDO:0012996, OMIM 612718.

Submissions (2):

ClinGen Cerebral Creatine Deficiency Syndromes Variant Curation Expert Panel, ClinGen
Classification: Benign for Arginine:glycine amidinotransferase deficiency. Last evaluated: 2022-06-06. Review status: reviewed by expert panel. Criteria: ClinGen_CCDS_ACMG_Specifications_GATM_v1.1. Collection method: curation. Allele origin: germline. Inheritance: Autosomal recessive inheritance.
Comment: The NM_001482.3:c.288+184_288+195del variant in GATM is an intronic variant which deletes 12 nucleotides in intron 2. The highest population minor allele frequency in gnomAD v2.1.1, in a population with >2000 alleles, is 0.8333 (7205/8646 alleles) in the African population, which is higher than the ClinGen CCDS VCEP’s threshold for BA1 (>0.0005), and therefore meets this criterion (BA1). The computational splicing predictor SpliceAI gives a score of 0.0 for donor loss suggesting that the variant has no impact on splicing (BP4). There is a ClinVar entry for this variant (Variation ID: 680743). In summary, this variant meets the criteria to be classified as benign for AGAT deficiency based on the ACMG/AMP criteria applied, as specified by the ClinGen Cerebral Creatine Deficiency Syndromes Variant Curation Expert Panel (Specifications Version 1.1.0: BA1, BP4. (Classification approved by the ClinGen CCDS VCEP on June 6, 2022).

GeneDx
Classification: Benign. Last evaluated: 2018-06-14. Review status: criteria provided, single submitter. Criteria: GeneDx Variant Classification (06012015). Collection method: clinical testing. Allele origin: germline. Affected: yes. Not counted in ClinVar's aggregate classification.
Comment: This variant is considered likely benign or benign based on one or more of the following criteria: it is a conservative change, it occurs at a poorly conserved position in the protein, it is predicted to be benign by multiple in silico algorithms, and/or has population frequency not consistent with disease.